The following is an entry in ClinVar:

ClinVar aggregate classification (germline): Pathogenic (1 of 4 stars; one submission).

Conditions:
Hereditary breast ovarian cancer syndrome. Also called: Hereditary breast and ovarian cancer syndrome (HBOC); Breast and ovarian cancer; Hereditary breast and ovarian cancer; Hereditary breast and ovarian cancer syndrome; BRCA1- and BRCA2-Associated Hereditary Breast and Ovarian Cancer; Hereditary breast and/or ovarian cancer syndrome. Identifiers: Orphanet 145, MedGen C0677776, MeSH D061325, MONDO:0003582. Disease mechanism: loss of function.

Submission:

Labcorp Genetics (formerly Invitae), Labcorp
Classification: Pathogenic for Hereditary breast ovarian cancer syndrome. Last evaluated: 2023-11-08. Review status: criteria provided, single submitter. Criteria: Invitae Variant Classification Sherloc (09022015). Collection method: clinical testing. Allele origin: germline.
Comment: This sequence change creates a premature translational stop signal (p.Lys730Argfs*19) in the BRCA2 gene. It is expected to result in an absent or disrupted protein product. Loss-of-function variants in BRCA2 are known to be pathogenic (PMID: 20104584). This variant is not present in population databases (gnomAD no frequency). This variant has not been reported in the literature in individuals affected with BRCA2-related conditions. For these reasons, this variant has been classified as Pathogenic.

Literature cited by the submitters: PubMed 20104584.

NM_000059.4(BRCA2):c.2189_2193del (p.Lys730fs)

Gene: BRCA2 (BRCA2 DNA repair associated; plus strand). Cytogenetic location: 13q13.1.
Variant type: Deletion.
Coding change: c.2189_2193del on transcript NM_000059.4 (MANE Select); coding-DNA positions 2189 to 2193, 5 bases deleted (AAGAA; older notation c.2189_2193delAAGAA).
Protein change: p.Lys730fs; shifts the reading frame from lysine 730.
Molecular consequence: frameshift variant. On other transcripts: non-coding transcript variant (1), intron variant (2).
Genome position (GRCh38, 1-based): chr13:32,336,544-32,336,548, AAGAA deleted; deleting any 5 consecutive bases within chr13:32,336,542-32,336,548 gives the same sequence; the c. name uses the placement nearest the transcript's 3' end. VCF-style (leftmost placement, unchanged base first): chr13-32336541-TAAAAG-T. GRCh37 (hg19) VCF-style: chr13-32910678-TAAAAG-T.
Other names: c.2189_2193del, p.Lys730fs (NM_001406719.1, NM_001406720.1); c.1909+3157_1909+3161del (NM_001406721.1); c.424+5514_424+5518del (NM_001406722.1); short protein forms K730fs.
Identifiers: ClinVar variation 2694390 (VCV002694390.3), dbSNP rs2548523348, ClinGen allele CA2697551721.